The following is an entry in ClinVar:

NM_004525.3(LRP2):c.2096C>T (p.Thr699Ile)

Gene: LRP2 (LDL receptor related protein 2; minus strand). Cytogenetic location: 2q31.1.
Variant type: single nucleotide variant.
Coding change: c.2096C>T on transcript NM_004525.3 (MANE Select); coding-DNA position 2096, C replaced by T.
Protein change: p.Thr699Ile; replaces threonine 699 with isoleucine.
Molecular consequence: missense variant.
Genome position (GRCh38, 1-based): chr2:169,272,947, G>A on the plus strand (C>T on the coding strand, the complement: LRP2 is on the minus strand). VCF-style: chr2-169272947-G-A. GRCh37 (hg19) VCF-style: chr2-170129457-G-A.
Other names: c.2096C>T (NM_004525.2); short protein forms T699I.
Identifiers: ClinVar variation 2048801 (VCV002048801.5), dbSNP rs768121775, ClinGen allele CA349140476.
Genomic context (GRCh38, chr2:169,272,947, plus strand): 5'-CTGTGTCACCTGCCAACAACGTCCAAAACAGACTTCTTACCAATGCAGTGGCGCTCATCT[G>A]TATCCAGTTGGAAGCCGAATGTGCACTTGCAACGGAAACCCAAACCATCATTATCTGTTC-3'
Protein context (NP_004516.2, residues 689-709): CKCTFGFQLD[Thr699Ile]DERHCIAVQN

ClinVar aggregate classification (germline): Uncertain significance. Review status: criteria provided, multiple submitters, no conflicts (2 of 4 stars). 2 submissions from 2 submitters: Uncertain significance (2). Last evaluated 2025-05-05.

Conditions:
Inborn genetic diseases. Identifiers: MedGen C0950123, MeSH D030342.

gnomAD v4.1: 1 of 1,613,728 alleles (0.000062%); highest among the groups gnomAD compares: Non-Finnish European, 0.000085%; no homozygotes.

Submissions (2):

Ambry Genetics
Classification: Uncertain significance for Inborn genetic diseases. Last evaluated: 2025-05-05. Review status: criteria provided, single submitter. Criteria: Ambry Variant Classification Scheme 2023. Collection method: clinical testing. Allele origin: germline.

Labcorp Genetics (formerly Invitae), Labcorp
Classification: Uncertain significance. Last evaluated: 2022-03-20. Review status: criteria provided, single submitter. Criteria: Invitae Variant Classification Sherloc (09022015). Collection method: clinical testing. Allele origin: germline.
Comment: In summary, the available evidence is currently insufficient to determine the role of this variant in disease. Therefore, it has been classified as a Variant of Uncertain Significance. Advanced modeling of protein sequence and biophysical properties (such as structural, functional, and spatial information, amino acid conservation, physicochemical variation, residue mobility, and thermodynamic stability) performed at Invitae indicates that this missense variant is not expected to disrupt LRP2 protein function. This variant has not been reported in the literature in individuals affected with LRP2-related conditions. This variant is not present in population databases (gnomAD no frequency). This sequence change replaces threonine, which is neutral and polar, with isoleucine, which is neutral and non-polar, at codon 699 of the LRP2 protein (p.Thr699Ile).